The following is an entry in ClinVar:

NM_000465.4(BARD1):c.1918C>A (p.Leu640Ile)

Gene: BARD1 (BRCA1 associated RING domain 1; minus strand). Cytogenetic location: 2q35.
Variant type: single nucleotide variant.
Coding change: c.1918C>A on transcript NM_000465.4 (MANE Select); coding-DNA position 1918, C replaced by A.
Protein change: p.Leu640Ile; replaces leucine 640 with isoleucine.
Molecular consequence: missense variant. On other transcripts: non-coding transcript variant (3).
Genome position (GRCh38, 1-based): chr2:214,730,494, G>T on the plus strand (C>A on the coding strand, the complement: BARD1 is on the minus strand). VCF-style: chr2-214730494-G-T. GRCh37 (hg19) VCF-style: chr2-215595218-G-T.
Other names: c.1861C>A, p.Leu621Ile (NM_001282543.2); c.565C>A, p.Leu189Ile (NM_001282545.2); c.508C>A, p.Leu170Ile (NM_001282548.2); c.379C>A, p.Leu127Ile (NM_001282549.2); short protein forms L640I, L189I, L621I, L127I, L170I.
Identifiers: ClinVar variation 530056 (VCV000530056.19), dbSNP rs1553612535, ClinGen allele CA350451296.

ClinVar aggregate classification (germline): Uncertain significance. Review status: criteria provided, multiple submitters, no conflicts (2 of 4 stars). 3 submissions from 3 submitters: Uncertain significance (2). 1 of the submissions does not count toward it. Last evaluated 2025-11-25.

Conditions:
Carcinoma of colon (CRC). Also called: Colon carcinoma; Colonic carcinoma. Identifiers: MedGen C0699790, MONDO:0002032.
Familial cancer of breast. Also called: Hereditary breast cancer; BREAST CANCER, FAMILIAL; hereditary breast carcinoma. Identifiers: Orphanet 227535, MedGen C0346153, MONDO:0016419, OMIM 114480. Disease mechanism: loss of function.
Hereditary cancer-predisposing syndrome. Also called: Hereditary neoplastic syndrome; Tumor predisposition; Neoplastic Syndromes, Hereditary; Hereditary Cancer Syndrome. Identifiers: Orphanet 140162, MedGen C0027672, MeSH D009386, MONDO:0015356.

gnomAD v4.1: 1 of 1,613,552 alleles (0.000062%); no homozygotes.

Submissions (3):

Labcorp Genetics (formerly Invitae), Labcorp
Classification: Uncertain significance for Familial cancer of breast. Last evaluated: 2025-11-25. Review status: criteria provided, single submitter. Criteria: Invitae Variant Classification Sherloc (09022015). Collection method: clinical testing. Allele origin: germline.
Comment: This sequence change replaces leucine, which is neutral and non-polar, with isoleucine, which is neutral and non-polar, at codon 640 of the BARD1 protein (p.Leu640Ile). This variant is not present in population databases (gnomAD no frequency). This missense change has been observed in individual(s) with colorectal cancer (PMID: 28135145, 31371347). ClinVar contains an entry for this variant (Variation ID: 530056). An algorithm developed to predict the effect of missense changes on protein structure and function (PolyPhen-2) suggests that this variant is likely to be disruptive. Experimental studies have shown that this missense change affects BARD1 function (PMID: 31371347). In summary, the available evidence is currently insufficient to determine the role of this variant in disease. Therefore, it has been classified as a Variant of Uncertain Significance.

Ambry Genetics
Classification: Uncertain significance for Hereditary cancer-predisposing syndrome. Last evaluated: 2023-11-14. Review status: criteria provided, single submitter. Criteria: Ambry Variant Classification Scheme 2023. Collection method: clinical testing. Allele origin: germline.
Comment: The p.L640I variant (also known as c.1918C>A), located in coding exon 10 of the BARD1 gene, results from a C to A substitution at nucleotide position 1918. The leucine at codon 640 is replaced by isoleucine, an amino acid with highly similar properties. This variant was seen in 1/1058 patients with colorectal cancer (Yurgelun MB et al. J. Clin. Oncol., 2017 Apr;35:1086-1095). This amino acid position is highly conserved in available vertebrate species. In addition, the in silico prediction for this alteration is inconclusive. Since supporting evidence is limited at this time, the clinical significance of this alteration remains unclear.

Cancer Genetics Service, National Cancer Centre Singapore
Classification: Uncertain significance for Colorectal cancer. Last evaluated: 2019-05-01. Review status: no assertion criteria provided. Collection method: research, in vitro. Allele origin: germline. Affected: yes. Not counted in ClinVar's aggregate classification.

Literature cited by the submitters: PubMed 28135145 (cited by Labcorp Genetics (formerly Invitae), Labcorp and Ambry Genetics); PubMed 31371347 (cited by Labcorp Genetics (formerly Invitae), Labcorp).